The following is an entry in ClinVar:

ClinVar aggregate classification (germline): Uncertain significance (1 of 4 stars; one submission).

Conditions:
Anauxetic dysplasia. Identifiers: Orphanet 93347, MedGen C1846796, MONDO:0011773.

Submission:

Labcorp Genetics (formerly Invitae), Labcorp
Classification: Uncertain significance for Anauxetic dysplasia. Last evaluated: 2023-11-01. Review status: criteria provided, single submitter. Criteria: Invitae Variant Classification Sherloc (09022015). Collection method: clinical testing. Allele origin: germline.
Comment: This variant occurs in the RMRP gene, which encodes an RNA molecule that does not result in a protein product. This variant is not present in population databases (gnomAD no frequency). This variant has not been reported in the literature in individuals affected with RMRP-related conditions. ClinVar contains an entry for this variant (Variation ID: 1489292). Experimental studies and prediction algorithms are not available or were not evaluated, and the functional significance of this variant is currently unknown. In summary, the available evidence is currently insufficient to determine the role of this variant in disease. Therefore, it has been classified as a Variant of Uncertain Significance.

NC_000009.12:g.35657966G>T

Gene: RMRP (RNA component of mitochondrial RNA processing endoribonuclease; minus strand). Cytogenetic location: 9p13.3.
Variant type: single nucleotide variant.
Genome position: GRCh38 VCF-style: chr9-35657966-G-T. GRCh37 (hg19) VCF-style: chr9-35657963-G-T.
Identifiers: ClinVar variation 1489292 (VCV001489292.6), dbSNP rs1229819090, ClinGen allele CA464450941.